The following is an entry in ClinVar:

NM_014384.3(ACAD8):c.856G>A (p.Gly286Arg)

Gene: ACAD8 (acyl-CoA dehydrogenase family member 8; plus strand). Cytogenetic location: 11q25.
Variant type: single nucleotide variant.
Coding change: c.856G>A on transcript NM_014384.3 (MANE Select); coding-DNA position 856, G replaced by A.
Protein change: p.Gly286Arg; replaces glycine 286 with arginine.
Molecular consequence: missense variant.
Genome position (GRCh38, 1-based): chr11:134,261,289, G>A. VCF-style: chr11-134261289-G-A. GRCh37 (hg19) VCF-style: chr11-134131183-G-A.
Other names: short protein forms G286R.
Identifiers: ClinVar variation 3663812 (VCV003663812.2).

ClinVar aggregate classification (germline): Uncertain significance (1 of 4 stars; one submission).

Conditions:
Deficiency of isobutyryl-CoA dehydrogenase. Also called: ACAD8 DEFICIENCY; ACYL-CoA DEHYDROGENASE FAMILY, MEMBER 8, DEFICIENCY OF; IBD DEFICIENCY. Identifiers: Orphanet 79159, MedGen C1969809, MONDO:0012648, OMIM 611283.

Submission:

Labcorp Genetics (formerly Invitae), Labcorp
Classification: Uncertain significance for Deficiency of isobutyryl-CoA dehydrogenase. Last evaluated: 2024-08-28. Review status: criteria provided, single submitter. Criteria: Invitae Variant Classification Sherloc (09022015). Collection method: clinical testing. Allele origin: germline.
Comment: This sequence change replaces glycine, which is neutral and non-polar, with arginine, which is basic and polar, at codon 286 of the ACAD8 protein (p.Gly286Arg). This variant is not present in population databases (gnomAD no frequency). This variant has not been reported in the literature in individuals affected with ACAD8-related conditions. Invitae Evidence Modeling of protein sequence and biophysical properties (such as structural, functional, and spatial information, amino acid conservation, physicochemical variation, residue mobility, and thermodynamic stability) indicates that this missense variant is expected to disrupt ACAD8 protein function with a positive predictive value of 80%. In summary, the available evidence is currently insufficient to determine the role of this variant in disease. Therefore, it has been classified as a Variant of Uncertain Significance.